The following is an entry in ClinVar:

NM_006648.4(WNK2):c.5876T>C (p.Leu1959Pro)

Gene: WNK2 (WNK lysine deficient protein kinase 2; plus strand). Cytogenetic location: 9q22.31.
Variant type: single nucleotide variant.
Coding change: c.5876T>C on transcript NM_006648.4 (MANE Select); coding-DNA position 5876, T replaced by C.
Protein change: p.Leu1959Pro; replaces leucine 1959 with proline.
Molecular consequence: missense variant.
Genome position (GRCh38, 1-based): chr9:93,298,020, T>C. VCF-style: chr9-93298020-T-C. GRCh37 (hg19) VCF-style: chr9-96060302-T-C.
Other names: c.5987T>C, p.Leu1996Pro (NM_001282394.3); short protein forms L1959P, L1996P.
Identifiers: ClinVar variation 3981738 (VCV003981738.1).

ClinVar aggregate classification (germline): Uncertain significance (1 of 4 stars; one submission).

Submission:

Ambry Genetics
Classification: Uncertain significance. Last evaluated: 2025-03-27. Review status: criteria provided, single submitter. Criteria: Ambry Variant Classification Scheme 2023. Collection method: clinical testing. Allele origin: germline.
Comment: The p.L1959P variant (also known as c.5876T>C), located in coding exon 23 of the WNK2 gene, results from a T to C substitution at nucleotide position 5876. The leucine at codon 1959 is replaced by proline, an amino acid with similar properties. This amino acid position is conserved. In addition, this alteration is predicted to be deleterious by in silico analysis. Based on the available evidence, the clinical significance of this variant remains unclear.